The following is an entry in ClinVar:

ClinVar aggregate classification (germline): Uncertain significance (1 of 4 stars; one submission).

Submission:

GeneDx
Classification: Uncertain significance. Last evaluated: 2024-06-14. Review status: criteria provided, single submitter. Criteria: GeneDx Variant Classification Process June 2021. Collection method: clinical testing. Allele origin: germline. Affected: yes.
Comment: Not observed at significant frequency in large population cohorts (gnomAD); In silico analysis supports a deleterious effect on protein structure/function; Has not been previously published as pathogenic or benign to our knowledge

NM_016030.6(TRAPPC12):c.100_101delinsTT (p.Glu34Leu)

Gene: TRAPPC12 (trafficking protein particle complex subunit 12; plus strand). Cytogenetic location: 2p25.3.
Variant type: Indel.
Coding change: c.100_101delinsTT on transcript NM_016030.6 (MANE Select); coding-DNA positions 100 to 101, GA replaced by TT.
Protein change: p.Glu34Leu; replaces glutamic acid 34 with leucine.
Molecular consequence: missense variant.
Genome position (GRCh38, 1-based): chr2:3,387,723-3,387,724, GA replaced by TT. VCF-style: chr2-3387723-GA-TT. GRCh37 (hg19) VCF-style: chr2-3391494-GA-TT.
Other names: c.100_101delinsTT, p.Glu34Leu (NM_001321102.2); short protein forms E34L.
Identifiers: ClinVar variation 3390605 (VCV003390605.1).